The following is an entry in ClinVar:

ClinVar aggregate classification (germline): Likely benign (1 of 4 stars; one submission).

gnomAD v4.1: 280 of 852 alleles (33%); highest among the groups gnomAD compares: African/African-American, 36%; 124 homozygotes.

Submission:

CeGaT Center for Human Genetics Tuebingen
Classification: Likely benign. Last evaluated: 2022-12-01. Review status: criteria provided, single submitter. Criteria: CeGaT Center For Human Genetics Tuebingen Variant Classification Criteria Version 2. Collection method: clinical testing. Allele origin: germline. Affected: yes. Observed: 1 variant allele.
Comment: GRTP1: BS2

NM_024719.4(GRTP1):c.466-1680A>T

Gene: GRTP1 (growth hormone regulated TBC protein 1; minus strand). Cytogenetic location: 13q34.
Variant type: single nucleotide variant.
Coding change: c.466-1680A>T on transcript NM_024719.4 (MANE Select); 1680 bases into the intron before coding-DNA position 466, A replaced by T.
Molecular consequence: intron variant.
Genome position (GRCh38, 1-based): chr13:113,346,639, T>A on the plus strand (A>T on the coding strand, the complement: GRTP1 is on the minus strand). VCF-style: chr13-113346639-T-A. GRCh37 (hg19) VCF-style: chr13-114000954-T-A.
Other names: c.466-1680A>T (NM_001286733.1, NM_001286732.2); c.232-1680A>T (NM_001411029.1).
Identifiers: ClinVar variation 2643995 (VCV002643995.24), dbSNP rs371398604, ClinGen allele CA256520148.